The following is an entry in ClinVar:

NM_000038.6(APC):c.7526C>A (p.Pro2509His)

Gene: APC (APC regulator of Wnt signaling pathway; plus strand). Cytogenetic location: 5q22.2.
Variant type: single nucleotide variant.
Coding change: c.7526C>A on transcript NM_000038.6 (MANE Select); coding-DNA position 7526, C replaced by A.
Protein change: p.Pro2509His; replaces proline 2509 with histidine.
Molecular consequence: missense variant. On other transcripts: non-coding transcript variant (2).
Genome position (GRCh38, 1-based): chr5:112,843,120, C>A. VCF-style: chr5-112843120-C-A. GRCh37 (hg19) VCF-style: chr5-112178817-C-A.
Other names: c.7223C>A, p.Pro2408His (NM_001407458.1, NM_001407459.1, NM_001407460.1 and 1 more transcripts); c.7139C>A, p.Pro2380His (NM_001407467.1, NM_001407469.1); c.6677C>A, p.Pro2226His (NM_001407470.1, NM_001354906.2); c.6374C>A, p.Pro2125His (NM_001407471.1, NM_001407472.1); c.7526C>A, p.Pro2509His (NM_001127510.3, NM_001354895.2, NM_001407450.1); c.7472C>A, p.Pro2491His (NM_001127511.3); c.7580C>A, p.Pro2527His (NM_001354896.2, NM_001407447.1, NM_001407448.1 and 1 more transcripts); c.7556C>A, p.Pro2519His (NM_001354897.2); and 11 more; short protein forms P2125H, P2226H, P2349H, P2380H, P2383H, P2408H, P2418H, P2426H.
Identifiers: ClinVar variation 3231324 (VCV003231324.1), dbSNP rs1766502316, ClinGen allele CA16037692.

ClinVar aggregate classification (germline): Uncertain significance (1 of 4 stars; one submission).

Conditions:
Hereditary cancer-predisposing syndrome. Also called: Neoplastic Syndromes, Hereditary; Tumor predisposition; Hereditary neoplastic syndrome; Hereditary Cancer Syndrome. Identifiers: Orphanet 140162, MedGen C0027672, MeSH D009386, MONDO:0015356.

Submission:

Ambry Genetics
Classification: Uncertain significance for Hereditary cancer-predisposing syndrome. Last evaluated: 2024-02-08. Review status: criteria provided, single submitter. Criteria: Ambry Variant Classification Scheme 2023. Collection method: clinical testing. Allele origin: germline.
Comment: The p.P2509H variant (also known as c.7526C>A), located in coding exon 15 of the APC gene, results from a C to A substitution at nucleotide position 7526. The proline at codon 2509 is replaced by histidine, an amino acid with similar properties. This amino acid position is conserved. In addition, in silico predictors for this gene do not accurately predict pathogenicity. Based on the available evidence, the clinical significance of this alteration remains unclear.